The following is an entry in ClinVar:

ClinVar aggregate classification (germline): Uncertain significance (1 of 4 stars; one submission).

Conditions:
Dilated cardiomyopathy 1JJ (CMD1JJ). Identifiers: Orphanet 154, MedGen C3808935, MONDO:0014095, OMIM 615235.

gnomAD v4.1: 5 of 1,613,928 alleles (0.00031%); highest among the groups gnomAD compares: Non-Finnish European, 0.00042%; no homozygotes.

Submission:

Labcorp Genetics (formerly Invitae), Labcorp
Classification: Uncertain significance for Dilated cardiomyopathy 1JJ. Last evaluated: 2025-06-01. Review status: criteria provided, single submitter. Criteria: Invitae Variant Classification Sherloc (09022015). Collection method: clinical testing. Allele origin: germline.
Comment: This sequence change replaces glycine, which is neutral and non-polar, with alanine, which is neutral and non-polar, at codon 246 of the LAMA4 protein (p.Gly246Ala). This variant is present in population databases (rs782587495, gnomAD 0.002%). This variant has not been reported in the literature in individuals affected with LAMA4-related conditions. An algorithm developed to predict the effect of missense changes on protein structure and function (PolyPhen-2) suggests that this variant is likely to be disruptive. In summary, the available evidence is currently insufficient to determine the role of this variant in disease. Therefore, it has been classified as a Variant of Uncertain Significance.

NM_001105206.3(LAMA4):c.737G>C (p.Gly246Ala)

Gene: LAMA4 (laminin subunit alpha 4; minus strand). Cytogenetic location: 6q21.
Variant type: single nucleotide variant.
Coding change: c.737G>C on transcript NM_001105206.3 (MANE Select); coding-DNA position 737, G replaced by C.
Protein change: p.Gly246Ala; replaces glycine 246 with alanine.
Molecular consequence: missense variant.
Genome position (GRCh38, 1-based): chr6:112,189,187, C>G on the plus strand (G>C on the coding strand, the complement: LAMA4 is on the minus strand). VCF-style: chr6-112189187-C-G. GRCh37 (hg19) VCF-style: chr6-112510389-C-G.
Other names: c.737G>C, p.Gly246Ala (NM_001105207.3, NM_002290.5); short protein forms G246A.
Identifiers: ClinVar variation 4805091 (VCV004805091.1).